The following is an entry in ClinVar:

NM_006922.4(SCN3A):c.2410A>G (p.Thr804Ala)

Gene: SCN3A (sodium voltage-gated channel alpha subunit 3; minus strand). Cytogenetic location: 2q24.3.
Variant type: single nucleotide variant.
Coding change: c.2410A>G on transcript NM_006922.4 (MANE Select); coding-DNA position 2410, A replaced by G.
Protein change: p.Thr804Ala; replaces threonine 804 with alanine.
Molecular consequence: missense variant.
Genome position (GRCh38, 1-based): chr2:165,131,399, T>C on the plus strand (A>G on the coding strand, the complement: SCN3A is on the minus strand). VCF-style: chr2-165131399-T-C. GRCh37 (hg19) VCF-style: chr2-165987909-T-C.
Other names: c.2263A>G, p.Thr755Ala (NM_001081676.2, NM_001081677.2); short protein forms T755A, T804A.
Identifiers: ClinVar variation 2435701 (VCV002435701.4), dbSNP rs747673178, ClinGen allele CA1938954.

ClinVar aggregate classification (germline): Uncertain significance. Review status: criteria provided, multiple submitters, no conflicts (2 of 4 stars). 2 submissions from 2 submitters: Uncertain significance (2). Last evaluated 2025-08-05.

Allele frequency attached by ClinVar (database versions not stated): gnomAD exomes below 0.00001; TOPMed below 0.00001; ExAC 0.00001; gnomAD 0.00001.
gnomAD v4.1: 6 of 1,604,412 alleles (0.00037%); highest among the groups gnomAD compares: South Asian, 0.0067%; no homozygotes.

Submissions (2):

Labcorp Genetics (formerly Invitae), Labcorp
Classification: Uncertain significance. Last evaluated: 2025-08-05. Review status: criteria provided, single submitter. Criteria: Invitae Variant Classification Sherloc (09022015). Collection method: clinical testing. Allele origin: germline.
Comment: This sequence change replaces threonine, which is neutral and polar, with alanine, which is neutral and non-polar, at codon 804 of the SCN3A protein (p.Thr804Ala). This variant is present in population databases (rs747673178, gnomAD 0.003%). This variant has not been reported in the literature in individuals affected with SCN3A-related conditions. ClinVar contains an entry for this variant (Variation ID: 2435701). Invitae Evidence Modeling of protein sequence and biophysical properties (such as structural, functional, and spatial information, amino acid conservation, physicochemical variation, residue mobility, and thermodynamic stability) indicates that this missense variant is not expected to disrupt SCN3A protein function with a negative predictive value of 80%. In summary, the available evidence is currently insufficient to determine the role of this variant in disease. Therefore, it has been classified as a Variant of Uncertain Significance.

Revvity Omics, Revvity
Classification: Uncertain significance. Last evaluated: 2025-01-08. Review status: criteria provided, single submitter. Criteria: ACMG Guidelines, 2015. Collection method: clinical testing. Allele origin: germline.